The following is an entry in ClinVar:

ClinVar aggregate classification (germline): Likely pathogenic (1 of 4 stars; one submission).

Conditions:
SMARCD2-related disorder. Also called: SMARCD2-related condition.

Submission:

PreventionGenetics, part of Exact Sciences
Classification: Likely pathogenic for SMARCD2-related condition. Last evaluated: 2025-10-20. Review status: criteria provided, single submitter. Criteria: ACMG Guidelines, 2015. Collection method: clinical testing. Allele origin: germline.
Comment: The SMARCD2 c.367delC variant is predicted to result in a frameshift and premature protein termination (p.Gln123Argfs*13). To our knowledge, this variant has not been reported in the literature or in a large population database (gnomAD), indicating this variant is rare. Frameshift variants in SMARCD2 are expected to be pathogenic. This variant is interpreted as likely pathogenic.

NM_001098426.2(SMARCD2):c.367del (p.Gln123fs)

Gene: SMARCD2 (SWI/SNF related BAF chromatin remodeling complex subunit D2; minus strand). Cytogenetic location: 17q23.3.
Variant type: Deletion.
Coding change: c.367del on transcript NM_001098426.2 (MANE Select); coding-DNA position 367, one base deleted (C; older notation c.367delC).
Protein change: p.Gln123fs; shifts the reading frame from glutamine 123.
Molecular consequence: frameshift variant.
Genome position (GRCh38, 1-based): chr17:63,837,475, G deleted on the plus strand (C on the coding strand, the reverse complement: SMARCD2 is on the minus strand); the first of 4 consecutive G bases (chr17:63,837,475-63,837,478); deleting any one gives the same sequence. VCF-style (leftmost placement, unchanged base first): chr17-63837474-TG-T. GRCh37 (hg19) VCF-style: chr17-61914834-TG-T.
Other names: c.142del, p.Gln48fs (NM_001330439.1); c.223del, p.Gln75fs (NM_001330440.2); short protein forms Q75fs, Q123fs, Q48fs.
Identifiers: ClinVar variation 4994582 (VCV004994582.1).
Genomic context (GRCh38, chr17:63,837,474, plus strand): 5'-AGAGTGAGAGAAGCAGGATGCTCTTACCCCCGGCGCTGGGCAGGCATGGGAGGCTGCGCC[TG>T]GGGCACAAGCAGGCGTTTTCGGAATGGATCCATCATGGTGGGTGGCATGCCAGGTCGAAG-3'